The following is an entry in ClinVar:

ClinVar aggregate classification (germline): Uncertain significance (1 of 4 stars; one submission).

Allele frequency attached by ClinVar (database versions not stated): gnomAD exomes below 0.00001.
gnomAD v4.1: 3 of 1,614,196 alleles (0.00019%); highest among the groups gnomAD compares: East Asian, 0.0022%; no homozygotes.

Submission:

Labcorp Genetics (formerly Invitae), Labcorp
Classification: Uncertain significance. Last evaluated: 2023-01-30. Review status: criteria provided, single submitter. Criteria: Invitae Variant Classification Sherloc (09022015). Collection method: clinical testing. Allele origin: germline.
Comment: In summary, the available evidence is currently insufficient to determine the role of this variant in disease. Therefore, it has been classified as a Variant of Uncertain Significance. Advanced modeling of protein sequence and biophysical properties (such as structural, functional, and spatial information, amino acid conservation, physicochemical variation, residue mobility, and thermodynamic stability) performed at Invitae indicates that this missense variant is expected to disrupt UROD protein function. This variant has not been reported in the literature in individuals affected with UROD-related conditions. This variant is not present in population databases (gnomAD no frequency). This sequence change replaces threonine, which is neutral and polar, with isoleucine, which is neutral and non-polar, at codon 69 of the UROD protein (p.Thr69Ile).

NM_000374.5(UROD):c.206C>T (p.Thr69Ile)

Gene: UROD (uroporphyrinogen decarboxylase; plus strand). Cytogenetic location: 1p34.1.
Variant type: single nucleotide variant.
Coding change: c.206C>T on transcript NM_000374.5 (MANE Select); coding-DNA position 206, C replaced by T.
Protein change: p.Thr69Ile; replaces threonine 69 with isoleucine.
Molecular consequence: missense variant. On other transcripts: non-coding transcript variant (3).
Genome position (GRCh38, 1-based): chr1:45,013,208, C>T. VCF-style: chr1-45013208-C-T. GRCh37 (hg19) VCF-style: chr1-45478880-C-T.
Other names: short protein forms T69I.
Identifiers: ClinVar variation 2833018 (VCV002833018.3), dbSNP rs2522914732, ClinGen allele CA340116892.